The following is an entry in ClinVar:

ClinVar aggregate classification (germline): Uncertain significance (1 of 4 stars; one submission).

Conditions:
Primary ciliary dyskinesia. Also called: Ciliary dyskinesia. Identifiers: Orphanet 244, MedGen C0008780, MONDO:0016575, HP:0012265.

gnomAD v4.1: 1 of 1,613,056 alleles (0.000062%); highest among the groups gnomAD compares: Non-Finnish European, 0.000085%; no homozygotes.

Submission:

Labcorp Genetics (formerly Invitae), Labcorp
Classification: Uncertain significance for Primary ciliary dyskinesia. Last evaluated: 2024-06-22. Review status: criteria provided, single submitter. Criteria: Invitae Variant Classification Sherloc (09022015). Collection method: clinical testing. Allele origin: germline.
Comment: This sequence change falls in intron 79 of the DNAH11 gene. It does not directly change the encoded amino acid sequence of the DNAH11 protein. It affects a nucleotide within the consensus splice site. This variant is not present in population databases (gnomAD no frequency). This variant has not been reported in the literature in individuals affected with DNAH11-related conditions. Variants that disrupt the consensus splice site are a relatively common cause of aberrant splicing (PMID: 17576681, 9536098). Algorithms developed to predict the effect of sequence changes on RNA splicing suggest that this variant may disrupt the consensus splice site. In summary, the available evidence is currently insufficient to determine the role of this variant in disease. Therefore, it has been classified as a Variant of Uncertain Significance.

Literature cited by the submitters: PubMed 17576681; PubMed 9536098.

NM_001277115.2(DNAH11):c.13049+3A>G

Gene: DNAH11 (dynein axonemal heavy chain 11; plus strand). Cytogenetic location: 7p15.3.
Variant type: single nucleotide variant.
Coding change: c.13049+3A>G on transcript NM_001277115.2 (MANE Select); 3 bases into the intron after coding-DNA position 13049, A replaced by G.
Molecular consequence: intron variant.
Genome position (GRCh38, 1-based): chr7:21,895,002, A>G. VCF-style: chr7-21895002-A-G. GRCh37 (hg19) VCF-style: chr7-21934620-A-G.
Identifiers: ClinVar variation 3683712 (VCV003683712.2).